The following is an entry in ClinVar:

NM_015474.4(SAMHD1):c.1058_1062del (p.Asp353fs)

Gene: SAMHD1 (SAM and HD domain containing deoxynucleoside triphosphate triphosphohydrolase 1; minus strand). Cytogenetic location: 20q11.23.
Variant type: Deletion.
Coding change: c.1058_1062del on transcript NM_015474.4 (MANE Select); coding-DNA positions 1058 to 1062, 5 bases deleted (ATAAG; older notation c.1058_1062delATAAG).
Protein change: p.Asp353fs; shifts the reading frame from aspartic acid 353.
Molecular consequence: frameshift variant.
Genome position (GRCh38, 1-based): chr20:36,916,722-36,916,726, CTTAT deleted on the plus strand (ATAAG on the coding strand, the reverse complement: SAMHD1 is on the minus strand); deleting any 5 consecutive bases within chr20:36,916,722-36,916,728 gives the same sequence; the c. name uses the placement nearest the transcript's 3' end. VCF-style (leftmost placement, unchanged base first): chr20-36916721-CCTTAT-C. GRCh37 (hg19) VCF-style: chr20-35545124-CCTTAT-C.
Other names: c.1058_1062del, p.Asp353fs (NM_001363729.2, NM_001363733.2); short protein forms D353fs.
Identifiers: ClinVar variation 4728130 (VCV004728130.1).

ClinVar aggregate classification (germline): Pathogenic (1 of 4 stars; one submission).

Conditions:
Aicardi-Goutieres syndrome 5. Identifiers: Orphanet 51, MedGen C2749659, MONDO:0013059, OMIM 612952.

Submission:

Labcorp Genetics (formerly Invitae), Labcorp
Classification: Pathogenic for Aicardi-Goutieres syndrome 5. Last evaluated: 2025-09-29. Review status: criteria provided, single submitter. Criteria: Invitae Variant Classification Sherloc (09022015). Collection method: clinical testing. Allele origin: germline.
Comment: This sequence change creates a premature translational stop signal (p.Asp353Glyfs*7) in the SAMHD1 gene. It is expected to result in an absent or disrupted protein product. Loss-of-function variants in SAMHD1 are known to be pathogenic (PMID: 19525956, 22461318). This variant is not present in population databases (gnomAD no frequency). This variant has not been reported in the literature in individuals affected with SAMHD1-related conditions. Algorithms developed to predict the effect of sequence changes on RNA splicing suggest that this variant may disrupt the consensus splice site. For these reasons, this variant has been classified as Pathogenic.

Literature cited by the submitters: PubMed 19525956; PubMed 22461318.